The following is an entry in ClinVar:

ClinVar aggregate classification (germline): Conflicting classifications of pathogenicity. Review status: criteria provided, conflicting classifications (1 of 4 stars). 3 submissions from 3 submitters: Uncertain significance (2); Likely benign (1). Last evaluated 2023-03-23.

Conditions:
Hereditary breast ovarian cancer syndrome. Also called: Hereditary breast and ovarian cancer syndrome (HBOC); BRCA1- and BRCA2-Associated Hereditary Breast and Ovarian Cancer; Hereditary breast and ovarian cancer syndrome; Breast and ovarian cancer; Hereditary breast and ovarian cancer; Hereditary breast and/or ovarian cancer syndrome. Identifiers: Orphanet 145, MedGen C0677776, MeSH D061325, MONDO:0003582. Disease mechanism: loss of function.
Hereditary cancer-predisposing syndrome. Also called: Hereditary neoplastic syndrome; Neoplastic Syndromes, Hereditary; Tumor predisposition; Hereditary Cancer Syndrome. Identifiers: Orphanet 140162, MedGen C0027672, MeSH D009386, MONDO:0015356.

Submissions (3):

University of Washington Department of Laboratory Medicine, University of Washington
Classification: Likely benign for Hereditary cancer-predisposing syndrome. Last evaluated: 2023-03-23. Review status: criteria provided, single submitter. Criteria: Dines et al. (Genet Med. 2020). Collection method: curation. Allele origin: germline.
Comment: Missense variant in a coldspot region where missense variants are very unlikely to be pathogenic (PMID:31911673).

BRCA2 exon 10 coldspot. Reclassification based on statistical prior probability.

Color Diagnostics, LLC DBA Color Health
Classification: Uncertain significance for Hereditary cancer-predisposing syndrome. Last evaluated: 2019-10-24. Review status: criteria provided, single submitter. Criteria: ACMG Guidelines, 2015. Collection method: clinical testing. Allele origin: germline.
Comment: This missense variant replaces lysine with isoleucine at codon 351 of the BRCA2 protein. Computational prediction tool suggests that this variant may not impact protein structure and function (internally defined REVEL score threshold ≤0.5, PMID: 27666373). Splice site prediction tools suggest that this variant may not impact RNA splicing. To our knowledge, functional studies have not been performed for this variant. This variant has not been reported in individuals affected with hereditary cancer in the literature. This variant has not been identified in the general population by the Genome Aggregation Database (gnomAD). The available evidence is insufficient to determine the role of this variant in disease conclusively. Therefore, this variant is classified as a Variant of Uncertain Significance.

Labcorp Genetics (formerly Invitae), Labcorp
Classification: Uncertain significance for Hereditary breast ovarian cancer syndrome. Last evaluated: 2017-09-21. Review status: criteria provided, single submitter. Criteria: Invitae Variant Classification Sherloc (09022015). Collection method: clinical testing. Allele origin: germline.
Comment: In summary, the available evidence is currently insufficient to determine the role of this variant in disease. Therefore, it has been classified as a Variant of Uncertain Significance. Algorithms developed to predict the effect of missense changes on protein structure and function do not agree on the potential impact of this missense change (SIFT: "Deleterious"; PolyPhen-2: "Benign"; Align-GVGD: "Class C0"). This variant has not been reported in the literature in individuals with BRCA2-related disease. This variant is not present in population databases (ExAC no frequency). This sequence change replaces lysine with isoleucine at codon 351 of the BRCA2 protein (p.Lys351Ile). The lysine residue is moderately conserved and there is a moderate physicochemical difference between lysine and isoleucine.

NM_000059.4(BRCA2):c.1052A>T (p.Lys351Ile)

Gene: BRCA2 (BRCA2 DNA repair associated; plus strand). Cytogenetic location: 13q13.1.
Variant type: single nucleotide variant.
Coding change: c.1052A>T on transcript NM_000059.4 (MANE Select); coding-DNA position 1052, A replaced by T.
Protein change: p.Lys351Ile; replaces lysine 351 with isoleucine.
Molecular consequence: missense variant.
Genome position (GRCh38, 1-based): chr13:32,332,530, A>T. VCF-style: chr13-32332530-A-T. GRCh37 (hg19) VCF-style: chr13-32906667-A-T.
Other names: short protein forms K351I.
Identifiers: ClinVar variation 531386 (VCV000531386.13), dbSNP rs1555281710, ClinGen allele CA387761288.
Genomic context (GRCh38, chr13:32,332,530, plus strand): 5'-AAATTTTCCATGAAGCAAACGCTGATGAATGTGAAAAATCTAAAAACCAAGTGAAAGAAA[A>T]ATACTCATTTGTATCTGAAGTGGAACCAAATGATACTGATCCATTAGATTCAAATGTAGC-3'
Protein context (NP_000050.3, residues 341-361): CEKSKNQVKE[Lys351Ile]YSFVSEVEPN